The following is an entry in ClinVar:

ClinVar aggregate classification (germline): Uncertain significance. Review status: criteria provided, multiple submitters, no conflicts (2 of 4 stars). 4 submissions from 4 submitters: Uncertain significance (4). Last evaluated 2024-10-21.

Conditions:
Inborn genetic diseases. Identifiers: MedGen C0950123, MeSH D030342.
Bethlem myopathy 1A. Also called: Bethlem myopathy 1; MYOPATHY, BENIGN CONGENITAL, WITH CONTRACTURES; Bethlem Muscular Dystrophy. Identifiers: Orphanet 610, MedGen CN029274, MONDO:0024530, OMIM 158810.

Allele frequency attached by ClinVar (database versions not stated): gnomAD exomes 0.00002; gnomAD 0.00004; TOPMed 0.00005; ESP Exome Variant Server 0.00016.

Submissions (4):

Labcorp Genetics (formerly Invitae), Labcorp
Classification: Uncertain significance for Bethlem myopathy 1A. Last evaluated: 2024-10-21. Review status: criteria provided, single submitter. Criteria: Invitae Variant Classification Sherloc (09022015). Collection method: clinical testing. Allele origin: germline.
Comment: This sequence change replaces arginine, which is basic and polar, with tryptophan, which is neutral and slightly polar, at codon 179 of the COL6A2 protein (p.Arg179Trp). This variant is present in population databases (rs201470058, gnomAD 0.02%). This variant has not been reported in the literature in individuals affected with COL6A2-related conditions. ClinVar contains an entry for this variant (Variation ID: 432752). Invitae Evidence Modeling of protein sequence and biophysical properties (such as structural, functional, and spatial information, amino acid conservation, physicochemical variation, residue mobility, and thermodynamic stability) indicates that this missense variant is not expected to disrupt COL6A2 protein function with a negative predictive value of 80%. In summary, the available evidence is currently insufficient to determine the role of this variant in disease. Therefore, it has been classified as a Variant of Uncertain Significance.

Ambry Genetics
Classification: Uncertain significance for Inborn genetic diseases. Last evaluated: 2024-07-25. Review status: criteria provided, single submitter. Criteria: Ambry Variant Classification Scheme 2023. Collection method: clinical testing. Allele origin: germline.

Revvity Omics, Revvity
Classification: Uncertain significance. Last evaluated: 2022-07-22. Review status: criteria provided, single submitter. Criteria: ACMG Guidelines, 2015. Collection method: clinical testing. Allele origin: germline.

GeneDx
Classification: Uncertain significance. Last evaluated: 2018-04-23. Review status: criteria provided, single submitter. Criteria: GeneDx Variant Classification (06012015). Collection method: clinical testing. Allele origin: germline. Affected: yes.
Comment: The R179W variant has not been published as a pathogenic variant, nor has it been reported as a benign variant to our knowledge. The R179W variant is observed in 3/15948 (0.02%) alleles from individuals of South Asian background (Lek et al., 2016; 1000 Genomes Consortium et al., 2015; Exome Variant Server). This substitution occurs at a position where amino acids with similar properties to Arginine are tolerated across species. However, this variant is a non-conservative amino acid substitution, which is likely to impact secondary protein structure as these residues differ in polarity, charge, size and/or other properties. In silico analysis predicts this variant is probably damaging to the protein structure/function.

NM_001849.4(COL6A2):c.535C>T (p.Arg179Trp)

Gene: COL6A2 (collagen type VI alpha 2 chain; plus strand). Cytogenetic location: 21q22.3.
Variant type: single nucleotide variant.
Coding change: c.535C>T on transcript NM_001849.4 (MANE Select); coding-DNA position 535, C replaced by T.
Protein change: p.Arg179Trp; replaces arginine 179 with tryptophan.
Molecular consequence: missense variant.
Genome position (GRCh38, 1-based): chr21:46,112,398, C>T. VCF-style: chr21-46112398-C-T. GRCh37 (hg19) VCF-style: chr21-47532312-C-T.
Other names: c.535C>T, p.Arg179Trp (NM_058174.3, NM_058175.3); short protein forms R179W.
Identifiers: ClinVar variation 432752 (VCV000432752.10), dbSNP rs201470058, ClinGen allele CA10071324.